The following is an entry in ClinVar:

NM_000081.4(LYST):c.3289G>A (p.Glu1097Lys)

Gene: LYST (lysosomal trafficking regulator; minus strand). Cytogenetic location: 1q42.3.
Variant type: single nucleotide variant.
Coding change: c.3289G>A on transcript NM_000081.4 (MANE Select); coding-DNA position 3289, G replaced by A.
Protein change: p.Glu1097Lys; replaces glutamic acid 1097 with lysine.
Molecular consequence: missense variant.
Genome position (GRCh38, 1-based): chr1:235,805,847, C>T on the plus strand (G>A on the coding strand, the complement: LYST is on the minus strand). VCF-style: chr1-235805847-C-T. GRCh37 (hg19) VCF-style: chr1-235969147-C-T.
Other names: c.3289G>A, p.Glu1097Lys (NM_001301365.1); short protein forms E1097K.
Identifiers: ClinVar variation 3869206 (VCV003869206.2).

ClinVar aggregate classification (germline): Uncertain significance. Review status: criteria provided, multiple submitters, no conflicts (2 of 4 stars). 2 submissions from 2 submitters: Uncertain significance (2). Last evaluated 2025-03-24.

Conditions:
Inborn genetic diseases. Identifiers: MedGen C0950123, MeSH D030342.
Chédiak-Higashi syndrome (CHS). Also called: Chediak-Higashi Syndrome. Identifiers: Orphanet 167, MedGen C0007965, MONDO:0008963, OMIM 214500.

gnomAD v4.1: 1 of 1,613,742 alleles (0.000062%); no homozygotes.

Submissions (2):

Labcorp Genetics (formerly Invitae), Labcorp
Classification: Uncertain significance for Chédiak-Higashi syndrome. Last evaluated: 2025-03-24. Review status: criteria provided, single submitter. Criteria: Invitae Variant Classification Sherloc (09022015). Collection method: clinical testing. Allele origin: germline.
Comment: This sequence change replaces glutamic acid, which is acidic and polar, with lysine, which is basic and polar, at codon 1097 of the LYST protein (p.Glu1097Lys). This variant is not present in population databases (gnomAD no frequency). This variant has not been reported in the literature in individuals affected with LYST-related conditions. Invitae Evidence Modeling of protein sequence and biophysical properties (such as structural, functional, and spatial information, amino acid conservation, physicochemical variation, residue mobility, and thermodynamic stability) indicates that this missense variant is not expected to disrupt LYST protein function with a negative predictive value of 80%. In summary, the available evidence is currently insufficient to determine the role of this variant in disease. Therefore, it has been classified as a Variant of Uncertain Significance.

Ambry Genetics
Classification: Uncertain significance for Inborn genetic diseases. Last evaluated: 2025-03-03. Review status: criteria provided, single submitter. Criteria: Ambry Variant Classification Scheme 2023. Collection method: clinical testing. Allele origin: germline.